The following is an entry in ClinVar:

ClinVar aggregate classification (germline): Uncertain significance (1 of 4 stars; one submission).

Conditions:
Peroxisome biogenesis disorder 12A (Zellweger). Also called: Peroxisome biogenesis disorder 12A. Identifiers: Orphanet 912, MedGen C3554002, MONDO:0013951, OMIM 614886.

Submission:

Labcorp Genetics (formerly Invitae), Labcorp
Classification: Uncertain significance for Peroxisome biogenesis disorder 12A (Zellweger). Last evaluated: 2022-04-21. Review status: criteria provided, single submitter. Criteria: Invitae Variant Classification Sherloc (09022015). Collection method: clinical testing. Allele origin: germline.
Comment: In summary, the available evidence is currently insufficient to determine the role of this variant in disease. Therefore, it has been classified as a Variant of Uncertain Significance. Algorithms developed to predict the effect of missense changes on protein structure and function (SIFT, PolyPhen-2, Align-GVGD) all suggest that this variant is likely to be tolerated. This variant has not been reported in the literature in individuals affected with PEX19-related conditions. This variant is not present in population databases (gnomAD no frequency). This sequence change replaces leucine, which is neutral and non-polar, with valine, which is neutral and non-polar, at codon 192 of the PEX19 protein (p.Leu192Val).

NM_002857.4(PEX19):c.574C>G (p.Leu192Val)

Gene: PEX19 (peroxisomal biogenesis factor 19; minus strand). Cytogenetic location: 1q23.2.
Variant type: single nucleotide variant.
Coding change: c.574C>G on transcript NM_002857.4 (MANE Select); coding-DNA position 574, C replaced by G.
Protein change: p.Leu192Val; replaces leucine 192 with valine.
Molecular consequence: missense variant. On other transcripts: non-coding transcript variant (2).
Genome position (GRCh38, 1-based): chr1:160,282,059, G>C on the plus strand (C>G on the coding strand, the complement: PEX19 is on the minus strand). VCF-style: chr1-160282059-G-C. GRCh37 (hg19) VCF-style: chr1-160251849-G-C.
Other names: c.574C>G, p.Leu192Val (NM_001193644.1); short protein forms L192V.
Identifiers: ClinVar variation 2128956 (VCV002128956.4), dbSNP rs2525310941, ClinGen allele CA343259794.
Genomic context (GRCh38, chr1:160,282,059, plus strand): 5'-GGAAAATGAAGAGAAAAAGCAGAAATGGAAGTTCACAAACCTTTTCTGTGATCTCCTTCA[G>C]TGATGGGTACAGCACATCCTTGGAGAGTAGGTTCTGCATAATACTCTGCATGATGGGGAG-3'
Protein context (NP_002848.1, residues 182-202): LLSKDVLYPS[Leu192Val]KEITEKYPEW